The following is an entry in ClinVar:

ClinVar aggregate classification (germline): Pathogenic. Review status: criteria provided, multiple submitters, no conflicts (2 of 4 stars). 2 submissions from 2 submitters: Pathogenic (2). Last evaluated 2025-04-29.

Conditions:
Familial cancer of breast. Also called: Hereditary breast cancer; hereditary breast carcinoma; BREAST CANCER, FAMILIAL. Identifiers: Orphanet 227535, MedGen C0346153, MONDO:0016419, OMIM 114480. Disease mechanism: loss of function.
Fanconi anemia complementation group J. Also called: BRIP1-Related Fanconi Anemia. Identifiers: Orphanet 84, MedGen C1836860, MONDO:0012187, OMIM 609054.
Hereditary cancer-predisposing syndrome. Also called: Hereditary Cancer Syndrome; Neoplastic Syndromes, Hereditary; Hereditary neoplastic syndrome; Tumor predisposition. Identifiers: Orphanet 140162, MedGen C0027672, MeSH D009386, MONDO:0015356.

Submissions (2):

Labcorp Genetics (formerly Invitae), Labcorp
Classification: Pathogenic for Familial cancer of breast; Fanconi anemia complementation group J. Last evaluated: 2025-04-29. Review status: criteria provided, single submitter. Criteria: Invitae Variant Classification Sherloc (09022015). Collection method: clinical testing. Allele origin: germline.
Comment: This sequence change creates a premature translational stop signal (p.Pro488Phefs*37) in the BRIP1 gene. It is expected to result in an absent or disrupted protein product. Loss-of-function variants in BRIP1 are known to be pathogenic (PMID: 16116423, 17033622, 21964575). This variant is not present in population databases (gnomAD no frequency). This variant has not been reported in the literature in individuals affected with BRIP1-related conditions. ClinVar contains an entry for this variant (Variation ID: 819279). For these reasons, this variant has been classified as Pathogenic.

Ambry Genetics
Classification: Pathogenic for Hereditary cancer-predisposing syndrome. Last evaluated: 2019-01-10. Review status: criteria provided, single submitter. Criteria: Ambry Variant Classification Scheme 2023. Collection method: clinical testing. Allele origin: germline.
Comment: The c.1462_1465delCCCA pathogenic mutation, located in coding exon 9 of the BRIP1 gene, results from a deletion of 4 nucleotides at nucleotide positions 1462 to 1465, causing a translational frameshift with a predicted alternate stop codon (p.P488Ffs*37). This alteration is expected to result in loss of function by premature protein truncation or nonsense-mediated mRNA decay. As such, this alteration is interpreted as a disease-causing mutation.

Literature cited by the submitters: PubMed 16116423 (cited by Labcorp Genetics (formerly Invitae), Labcorp); PubMed 17033622 (cited by Labcorp Genetics (formerly Invitae), Labcorp); PubMed 21964575 (cited by Labcorp Genetics (formerly Invitae), Labcorp).

NM_032043.3(BRIP1):c.1462_1465del (p.Pro488fs)

Gene: BRIP1 (BRCA1 interacting DNA helicase 1; minus strand). Cytogenetic location: 17q23.2.
Variant type: Deletion.
Coding change: c.1462_1465del on transcript NM_032043.3 (MANE Select); coding-DNA positions 1462 to 1465, 4 bases deleted (CCCA; older notation c.1462_1465delCCCA).
Protein change: p.Pro488fs; shifts the reading frame from proline 488.
Molecular consequence: frameshift variant.
Genome position (GRCh38, 1-based): chr17:61,793,605-61,793,608, TGGG deleted on the plus strand (CCCA on the coding strand, the reverse complement: BRIP1 is on the minus strand). VCF-style (leftmost placement, unchanged base first): chr17-61793604-ATGGG-A. GRCh37 (hg19) VCF-style: chr17-59870965-ATGGG-A.
Other names: short protein forms P488fs.
Identifiers: ClinVar variation 819279 (VCV000819279.11), dbSNP rs1603340281, ClinGen allele CA915950710.